The following is an entry in ClinVar:

NM_001256789.3(CACNA1F):c.446A>C (p.Tyr149Ser)

Gene: CACNA1F (calcium voltage-gated channel subunit alpha1 F; minus strand). Cytogenetic location: Xp11.23.
Variant type: single nucleotide variant.
Coding change: c.446A>C on transcript NM_001256789.3 (MANE Select); coding-DNA position 446, A replaced by C.
Protein change: p.Tyr149Ser; replaces tyrosine 149 with serine.
Molecular consequence: missense variant.
Genome position (GRCh38, 1-based): chrX:49,230,925, T>G on the plus strand (A>C on the coding strand, the complement: CACNA1F is on the minus strand). VCF-style: chrX-49230925-T-G. GRCh37 (hg19) VCF-style: chrX-49087387-T-G.
Other names: c.251A>C, p.Tyr84Ser (NM_001256790.3); c.446A>C, p.Tyr149Ser (NM_005183.4); short protein forms Y149S, Y84S.
Identifiers: ClinVar variation 3252878 (VCV003252878.1), dbSNP rs2065871583.
Genomic context (GRCh38, chrX:49,230,925, plus strand): 5'-ATGAAGTCGAGTAGGTTCCAGCCATTGCGGATGTAGGCGCTGGGGTGGAGCACCAGCCCG[T>G]AGGCCACGATCTTGAGCACCGTCTCCACAGTGAAAATCACCAGGAATACGTACTCCACCT-3'
Protein context (NP_001243718.1, residues 139-159): TVETVLKIVA[Tyr149Ser]GLVLHPSAYI

ClinVar aggregate classification (germline): Uncertain significance (1 of 4 stars; one submission).

Submission:

GeneDx
Classification: Uncertain significance. Last evaluated: 2023-01-09. Review status: criteria provided, single submitter. Criteria: GeneDx Variant Classification Process June 2021. Collection method: clinical testing. Allele origin: germline. Affected: yes.
Comment: Not observed at significant frequency in large population cohorts (gnomAD); In silico analysis supports that this missense variant has a deleterious effect on protein structure/function; Has not been previously published as pathogenic or benign to our knowledge